The following is an entry in ClinVar:

NM_001244008.2(KIF1A):c.5131G>A (p.Asp1711Asn)

Gene: KIF1A (kinesin family member 1A; minus strand). Cytogenetic location: 2q37.3.
Variant type: single nucleotide variant.
Coding change: c.5131G>A on transcript NM_001244008.2 (MANE Select); coding-DNA position 5131, G replaced by A.
Protein change: p.Asp1711Asn; replaces aspartic acid 1711 with asparagine.
Molecular consequence: missense variant.
Genome position (GRCh38, 1-based): chr2:240,719,089, C>T on the plus strand (G>A on the coding strand, the complement: KIF1A is on the minus strand). VCF-style: chr2-240719089-C-T. GRCh37 (hg19) VCF-style: chr2-241658506-C-T.
Other names: c.4855G>A, p.Asp1619Asn (NM_001320705.2, NM_001379649.1); c.4882G>A, p.Asp1628Asn (NM_001330289.2); c.4930G>A, p.Asp1644Asn (NM_001330290.2, NM_001379648.1); c.5206G>A, p.Asp1736Asn (NM_001379631.1); c.5107G>A, p.Asp1703Asn (NM_001379632.1); c.5104G>A, p.Asp1702Asn (NM_001379633.1, NM_001379645.1); c.4957G>A, p.Asp1653Asn (NM_001379634.1); c.4954G>A, p.Asp1652Asn (NM_001379635.1, NM_001379646.1); and 7 more; short protein forms D1610N, D1711N, D1619N, D1628N, D1644N, D1609N, D1618N, D1627N.
Identifiers: ClinVar variation 246454 (VCV000246454.44), dbSNP rs199574770, ClinGen allele CA2207170.
Genomic context (GRCh38, chr2:240,719,089, plus strand): 5'-CACTGTACTCCACCTGGGCAGTGGCCAGGTTGAGCACGAACCGCTCCACGGTGTCCTTGT[C>T]GCTGTTGTACATGTAGGCATAGGGGCGCCGCACCACCACGAAGCGCCTGGCCCAGCCTGA-3'
Protein context (NP_001230937.1, residues 1701-1721): RRPYAYMYNS[Asp1711Asn]KDTVERFVLN

ClinVar aggregate classification (germline): Conflicting classifications of pathogenicity. Review status: criteria provided, conflicting classifications (1 of 4 stars). 5 submissions from 5 submitters: Uncertain significance (4); Benign (1). Last evaluated 2026-01-24.

Conditions:
Hereditary spastic paraplegia 30. Identifiers: Orphanet 101010, MedGen C5235139, MONDO:0012476.
Neuropathy, hereditary sensory and autonomic, type 2A (HSAN2A). Also called: HSAN IIA; WNK1-Related HSAN2 (HSAN2A); MORVAN DISEASE; NEUROPATHY, CONGENITAL SENSORY; NEUROPATHY, HEREDITARY SENSORY RADICULAR, AUTOSOMAL RECESSIVE; NEUROPATHY, HEREDITARY SENSORY, TYPE IIA. Identifiers: Orphanet 970, MedGen C2752089, MONDO:0024309, OMIM 201300.
Neuropathy, hereditary sensory, type 2C. Also called: Hereditary sensory and autonomic neuropathy type IIC; KIF1A-Related HSAN2 (HSAN2C). Identifiers: Orphanet 970, MedGen C3280168, MONDO:0013634, OMIM 614213.
Intellectual disability, autosomal dominant 9 (NESCAVS). Also called: KIF1A-Related Neurodevelopmental Disorder; NESCAV SYNDROME. Identifiers: Orphanet 662367, MedGen C5393830, MONDO:0013656, OMIM 614255.
History of neurodevelopmental disorder. Identifiers: MedGen C2711754.

Allele frequency attached by ClinVar (database versions not stated): ExAC 0.00003; gnomAD 0.00005; TOPMed 0.00006; ESP Exome Variant Server 0.00008; 1000 Genomes Project 0.00020; 1000 Genomes Project 30x 0.00031.
gnomAD v4.1: 84 of 1,612,680 alleles (0.0052%); highest among the groups gnomAD compares: African/African-American, 0.008%; no homozygotes.

Submissions (5):

Labcorp Genetics (formerly Invitae), Labcorp
Classification: Benign for Hereditary spastic paraplegia 30; Neuropathy, hereditary sensory, type 2C; Intellectual disability, autosomal dominant 9. Last evaluated: 2026-01-24. Review status: criteria provided, single submitter. Criteria: Invitae Variant Classification Sherloc (09022015). Collection method: clinical testing. Allele origin: germline.

GeneDx
Classification: Uncertain significance. Last evaluated: 2025-05-15. Review status: criteria provided, single submitter. Criteria: GeneDx Variant Classification Process June 2021. Collection method: clinical testing. Allele origin: germline. Affected: yes.
Comment: Reported as a de novo variant in a fetus with clubfoot; however, no further clinical information was provided (PMID: 36326072); Reported previously as a variant of uncertain significance in a patient with ALS; however, no further clinical or segregation information was provided (PMID: 39076207); In silico analysis supports that this missense variant has a deleterious effect on protein structure/function; This variant is associated with the following publications: (PMID: 26125038, 21820098, 21376300, 36326072, 39076207)

CeGaT Center for Human Genetics Tuebingen
Classification: Uncertain significance. Last evaluated: 2022-09-01. Review status: criteria provided, single submitter. Criteria: CeGaT Center For Human Genetics Tuebingen Variant Classification Criteria Version 2. Collection method: clinical testing. Allele origin: germline. Affected: yes. Observed: 1 variant allele.
Comment: KIF1A: PP2

Fulgent Genetics
Classification: Uncertain significance for Neuropathy, hereditary sensory and autonomic, type 2A; Spastic paraplegia 30A, autosomal dominant; Neuropathy, hereditary sensory, type 2C; Intellectual disability, autosomal dominant 9. Last evaluated: 2018-10-31. Review status: criteria provided, single submitter. Criteria: ACMG Guidelines, 2015. Collection method: clinical testing. Allele origin: unknown.

Ambry Genetics
Classification: Uncertain significance for History of neurodevelopmental disorder. Last evaluated: 2016-08-03. Review status: criteria provided, single submitter. Criteria: Ambry Autosomal Dominant and X-Linked criteria (10/2015). Collection method: clinical testing. Allele origin: germline. Observed: 1 variant allele.
Comment: The p.D1610N variant (also known as c.4828G>A), located in coding exon 44 of the KIF1A gene, results from a G to A substitution at nucleotide position 4828. The aspartic acid at codon 1610 is replaced by asparagine, an amino acid with highly similar properties. This variant was previously reported in the SNPDatabase as rs199574770. Based on data from the 1000 Genomes Project, the A allele has an overall frequency of approximately 0.05% (1/2098) total alleles studied. The highest observed frequency was 0.59% (1/170) CEPH alleles. Based on data from the NHLBI Exome Sequencing Project (ESP), the A allele has an overall frequency of approximately 0.01% (1/12922) total alleles studied and 0.01% (1/8570) European American alleles. This amino acid position is well conserved in available vertebrate species; however, glutamic acid is the reference amino acid in other vertebrate species. In addition, this alteration is predicted to be tolerated by in silico analysis. Since supporting evidence is limited at this time, the clinical significance of this variant remains unclear.